The following is an entry in ClinVar:

ClinVar aggregate classification (germline): Likely benign. Review status: criteria provided, multiple submitters, no conflicts (2 of 4 stars). 4 submissions from 4 submitters: Likely benign (2). 2 of the submissions do not count toward it. Last evaluated 2026-01-27.

Conditions:
RAB3GAP2-related disorder. Also called: RAB3GAP2-related disorders; RAB3GAP2-related condition.
Martsolf syndrome (MARTS). Also called: Congenital cataract with intellectual disability and hypogonadotropic hypogonadism syndrome. Identifiers: Orphanet 1387, MedGen C0796037, MONDO:0023910.
Warburg micro syndrome 2 (WARBM2). Also called: MICRO SYNDROME 2. Identifiers: Orphanet 2510, MedGen C3280214, MONDO:0013641, OMIM 614225.

Allele frequency attached by ClinVar (database versions not stated): gnomAD exomes 0.00008 and 0.00025; ExAC 0.00029; 1000 Genomes Project 30x 0.00047; 1000 Genomes Project 0.00060; gnomAD 0.00090 and 0.00104; TOPMed 0.00111; ESP Exome Variant Server 0.00138.
gnomAD v4.1: 253 of 1,613,422 alleles (0.016%); highest among the groups gnomAD compares: African/African-American, 0.32%; no homozygotes.

Submissions (4):

Labcorp Genetics (formerly Invitae), Labcorp
Classification: Likely benign for Martsolf syndrome; Warburg micro syndrome 2. Last evaluated: 2026-01-27. Review status: criteria provided, single submitter. Criteria: Invitae Variant Classification Sherloc (09022015). Collection method: clinical testing. Allele origin: germline.

GeneDx
Classification: Likely benign. Last evaluated: 2021-01-04. Review status: criteria provided, single submitter. Criteria: GeneDx Variant Classification Process June 2021. Collection method: clinical testing. Allele origin: germline. Affected: yes.

PreventionGenetics, part of Exact Sciences
Classification: Likely benign for RAB3GAP2-related condition. Last evaluated: 2024-03-25. Review status: no assertion criteria provided. Collection method: clinical testing. Allele origin: germline. Not counted in ClinVar's aggregate classification.
Comment: This variant is classified as likely benign based on ACMG/AMP sequence variant interpretation guidelines (Richards et al. 2015 PMID: 25741868, with internal and published modifications).

Genetic Services Laboratory, University of Chicago
Classification: Likely benign for AllHighlyPenetrant. Review status: no assertion criteria provided. Collection method: clinical testing. Allele origin: germline. Inheritance: Autosomal recessive inheritance. Not counted in ClinVar's aggregate classification.
Comment: Likely benign based on allele frequency in 1000 Genomes Project or ESP global frequency and its presence in a patient with a rare or unrelated disease phenotype. NOT Sanger confirmed.

NM_012414.4(RAB3GAP2):c.938C>T (p.Thr313Ile)

Gene: RAB3GAP2 (RAB3 GTPase activating non-catalytic protein subunit 2; minus strand). Cytogenetic location: 1q41.
Variant type: single nucleotide variant.
Coding change: c.938C>T on transcript NM_012414.4 (MANE Select); coding-DNA position 938, C replaced by T.
Protein change: p.Thr313Ile; replaces threonine 313 with isoleucine.
Molecular consequence: missense variant.
Genome position (GRCh38, 1-based): chr1:220,196,272, G>A on the plus strand (C>T on the coding strand, the complement: RAB3GAP2 is on the minus strand). VCF-style: chr1-220196272-G-A. GRCh37 (hg19) VCF-style: chr1-220369614-G-A.
Other names: short protein forms T313I.
Identifiers: ClinVar variation 130074 (VCV000130074.20), dbSNP rs74139292, ClinGen allele CA154857.